The following is an entry in ClinVar:

NM_005732.4(RAD50):c.2559A>G (p.Ile853Met)

Gene: RAD50 (RAD50 double strand break repair protein; plus strand). Cytogenetic location: 5q31.1.
Variant type: single nucleotide variant.
Coding change: c.2559A>G on transcript NM_005732.4 (MANE Select); coding-DNA position 2559, A replaced by G.
Protein change: p.Ile853Met; replaces isoleucine 853 with methionine.
Molecular consequence: missense variant.
Genome position (GRCh38, 1-based): chr5:132,604,840, A>G. VCF-style: chr5-132604840-A-G. GRCh37 (hg19) VCF-style: chr5-131940532-A-G.
Other names: c.2559A>G (NM_005732.3); short protein forms I853M.
Identifiers: ClinVar variation 1435048 (VCV001435048.9), dbSNP rs2149847715, ClinGen allele CA360956326.

ClinVar aggregate classification (germline): Uncertain significance. Review status: criteria provided, multiple submitters, no conflicts (2 of 4 stars). 2 submissions from 2 submitters: Uncertain significance (2). Last evaluated 2022-11-18.

Conditions:
RAD50-related disorder. Also called: RAD50-related condition.
Hereditary cancer-predisposing syndrome. Also called: Neoplastic Syndromes, Hereditary; Hereditary Cancer Syndrome; Hereditary neoplastic syndrome; Tumor predisposition. Identifiers: Orphanet 140162, MedGen C0027672, MeSH D009386, MONDO:0015356.

gnomAD v4.1: 1 of 1,613,278 alleles (0.000062%); highest among the groups gnomAD compares: Non-Finnish European, 0.000085%; no homozygotes.

Submissions (2):

PreventionGenetics, part of Exact Sciences
Classification: Uncertain significance for RAD50-related condition. Last evaluated: 2022-11-18. Review status: criteria provided, single submitter. Criteria: ACMG Guidelines, 2015. Collection method: clinical testing. Allele origin: germline.
Comment: The RAD50 c.2559A>G variant is predicted to result in the amino acid substitution p.Ile853Met. To our knowledge, this variant has not been reported in the literature or in a large population database and is interpreted as uncertain in ClinVar. At this time, the clinical significance of this variant is uncertain due to the absence of conclusive functional and genetic evidence.

Labcorp Genetics (formerly Invitae), Labcorp
Classification: Uncertain significance for Hereditary cancer-predisposing syndrome. Last evaluated: 2021-06-23. Review status: criteria provided, single submitter. Criteria: Invitae Variant Classification Sherloc (09022015). Collection method: clinical testing. Allele origin: germline.
Comment: This sequence change replaces isoleucine with methionine at codon 853 of the RAD50 protein (p.Ile853Met). The isoleucine residue is moderately conserved and there is a small physicochemical difference between isoleucine and methionine. This variant is not present in population databases (ExAC no frequency). This variant has not been reported in the literature in individuals with RAD50-related conditions. Algorithms developed to predict the effect of missense changes on protein structure and function (SIFT, PolyPhen-2, Align-GVGD) all suggest that this variant is likely to be tolerated, but these predictions have not been confirmed by published functional studies and their clinical significance is uncertain. In summary, the available evidence is currently insufficient to determine the role of this variant in disease. Therefore, it has been classified as a Variant of Uncertain Significance.